The following is an entry in ClinVar:

ClinVar aggregate classification (germline): Uncertain significance. Review status: criteria provided, multiple submitters, no conflicts (2 of 4 stars). 2 submissions from 2 submitters: Uncertain significance (2). Last evaluated 2025-08-11.

Conditions:
POLD1-related polyposis and colorectal cancer syndrome (CRCS10). Also called: Colorectal cancer 10; COLORECTAL CANCER, SUSCEPTIBILITY TO, ON CHROMOSOME 19q; Colorectal cancer, susceptibility to, 10. Identifiers: Orphanet 220460, MedGen C2675481, MONDO:0012953, OMIM 612591.
Hereditary cancer-predisposing syndrome. Also called: Tumor predisposition; Neoplastic Syndromes, Hereditary; Hereditary Cancer Syndrome; Hereditary neoplastic syndrome. Identifiers: Orphanet 140162, MedGen C0027672, MeSH D009386, MONDO:0015356.

Submissions (2):

Ambry Genetics
Classification: Uncertain significance for Hereditary cancer-predisposing syndrome. Last evaluated: 2025-08-11. Review status: criteria provided, single submitter. Criteria: Ambry Variant Classification Scheme 2023. Collection method: clinical testing. Allele origin: germline.
Comment: The p.K629* variant (also known as c.1885A>T), located in coding exon 14 of the POLD1 gene, results from an A to T substitution at nucleotide position 1885. This changes the amino acid from a lysine to a stop codon within coding exon 14. This alteration is expected to result in loss of function by premature protein truncation or nonsense-mediated mRNA decay. However, loss of function of POLD1 has not been established as a mechanism of disease. Based on the available evidence, the clinical significance of this alteration remains unclear.

Labcorp Genetics (formerly Invitae), Labcorp
Classification: Uncertain significance for POLD1-related polyposis and colorectal cancer syndrome. Last evaluated: 2022-10-15. Review status: criteria provided, single submitter. Criteria: Invitae Variant Classification Sherloc (09022015). Collection method: clinical testing. Allele origin: germline.
Comment: This sequence change creates a premature translational stop signal (p.Lys629*) in the POLD1 gene. Missense variants that disrupt the 3'-5' exonuclease (proof-reading) activity of the POLD1 protein are associated with PPAP (polymerase proofreading–associated polyposis) (PMID: 23263490, 23447401). However, loss-of-function variants that result in an absent or severely disrupted POLD1 protein, and missense variants outside the exonuclease domain, are unlikely to be associated with PPAP. This variant is not present in population databases (gnomAD no frequency). This variant has not been reported in the literature in individuals affected with POLD1-related conditions. In summary, the available evidence is currently insufficient to determine the role of this variant in disease. Therefore, it has been classified as a Variant of Uncertain Significance.

Literature cited by the submitters: PubMed 23263490 (cited by Labcorp Genetics (formerly Invitae), Labcorp); PubMed 23447401 (cited by Labcorp Genetics (formerly Invitae), Labcorp).

NM_002691.4(POLD1):c.1885A>T (p.Lys629Ter)

Gene: POLD1 (DNA polymerase delta 1, catalytic subunit; plus strand). Cytogenetic location: 19q13.33.
Variant type: single nucleotide variant.
Coding change: c.1885A>T on transcript NM_002691.4 (MANE Select); coding-DNA position 1885, A replaced by T.
Protein change: p.Lys629Ter; replaces lysine 629 with a stop codon.
Molecular consequence: nonsense. On other transcripts: non-coding transcript variant (1).
Genome position (GRCh38, 1-based): chr19:50,408,894, A>T. VCF-style: chr19-50408894-A-T. GRCh37 (hg19) VCF-style: chr19-50912151-A-T.
Other names: c.1885A>T (NM_002691.2); c.1885A>T, p.Lys629Ter (NM_001256849.1); c.1963A>T, p.Lys655Ter (NM_001308632.1); short protein forms K629*, K655*.
Identifiers: ClinVar variation 2035680 (VCV002035680.5), dbSNP rs2514012341, ClinGen allele CA406982157.